The following is an entry in ClinVar:

NM_004444.5(EPHB4):c.2311G>A (p.Asp771Asn)

Gene: EPHB4 (EPH receptor B4; minus strand). Cytogenetic location: 7q22.1.
Variant type: single nucleotide variant.
Coding change: c.2311G>A on transcript NM_004444.5 (MANE Select); coding-DNA position 2311, G replaced by A.
Protein change: p.Asp771Asn; replaces aspartic acid 771 with asparagine.
Molecular consequence: missense variant.
Genome position (GRCh38, 1-based): chr7:100,807,388, C>T on the plus strand (G>A on the coding strand, the complement: EPHB4 is on the minus strand). VCF-style: chr7-100807388-C-T. GRCh37 (hg19) VCF-style: chr7-100405010-C-T.
Other names: short protein forms D771N.
Identifiers: ClinVar variation 4087907 (VCV004087907.1).

ClinVar aggregate classification (germline): Uncertain significance (1 of 4 stars; one submission).

gnomAD v4.1: 4 of 1,613,780 alleles (0.00025%); highest among the groups gnomAD compares: African/African-American, 0.0013%; no homozygotes.

Submission:

GeneDx
Classification: Uncertain significance. Last evaluated: 2025-03-23. Review status: criteria provided, single submitter. Criteria: GeneDx Variant Classification Process June 2021. Collection method: clinical testing. Allele origin: germline. Affected: yes.
Comment: Not observed at significant frequency in large population cohorts (gnomAD); In silico analysis supports that this missense variant has a deleterious effect on protein structure/function; Has not been previously published as pathogenic or benign to our knowledge